The following is an entry in ClinVar:

ClinVar aggregate classification (germline): Uncertain significance (1 of 4 stars; one submission).

Conditions:
Familial cancer of breast. Also called: Hereditary breast cancer; hereditary breast carcinoma; BREAST CANCER, FAMILIAL. Identifiers: Orphanet 227535, MedGen C0346153, MONDO:0016419, OMIM 114480. Disease mechanism: loss of function.

Allele frequency attached by ClinVar (database versions not stated): gnomAD exomes below 0.00001.
gnomAD v4.1: 1 of 1,614,166 alleles (0.000062%); highest among the groups gnomAD compares: Non-Finnish European, 0.000085%; no homozygotes.

Submission:

Labcorp Genetics (formerly Invitae), Labcorp
Classification: Uncertain significance for Familial cancer of breast. Last evaluated: 2019-04-23. Review status: criteria provided, single submitter. Criteria: Invitae Variant Classification Sherloc (09022015). Collection method: clinical testing. Allele origin: germline.
Comment: This variant is not present in population databases (ExAC no frequency). This variant has not been reported in the literature in individuals with PALB2-related conditions. Algorithms developed to predict the effect of missense changes on protein structure and function are either unavailable or do not agree on the potential impact of this missense change (SIFT: "Tolerated"; PolyPhen-2: "Probably Damaging"; Align-GVGD: "Class C0"). In summary, the available evidence is currently insufficient to determine the role of this variant in disease. Therefore, it has been classified as a Variant of Uncertain Significance. This sequence change replaces lysine with glutamic acid at codon 623 of the PALB2 protein (p.Lys623Glu). The lysine residue is highly conserved and there is a small physicochemical difference between lysine and glutamic acid.

NM_024675.4(PALB2):c.1867A>G (p.Lys623Glu)

Gene: PALB2 (partner and localizer of BRCA2; minus strand). Cytogenetic location: 16p12.2.
Variant type: single nucleotide variant.
Coding change: c.1867A>G on transcript NM_024675.4 (MANE Select); coding-DNA position 1867, A replaced by G.
Protein change: p.Lys623Glu; replaces lysine 623 with glutamic acid.
Molecular consequence: missense variant.
Genome position (GRCh38, 1-based): chr16:23,630,287, T>C on the plus strand (A>G on the coding strand, the complement: PALB2 is on the minus strand). VCF-style: chr16-23630287-T-C. GRCh37 (hg19) VCF-style: chr16-23641608-T-C.
Other names: short protein forms K623E.
Identifiers: ClinVar variation 839925 (VCV000839925.10), dbSNP rs1966864669, ClinGen allele CA395127707.
Genomic context (GRCh38, chr16:23,630,287, plus strand): 5'-ACATTTTTGACTCAAAGGGCTCCACTGGTTTTTCTGAGCAGGACTTCACTTTTTCAAGCT[T>C]AAGAGGTCCAAAGTCTTCATCAGGTAACTGAAAGTCTGTGATACTGAGAAAAGACAGTAG-3'
Protein context (NP_078951.2, residues 613-633): QLPDEDFGPL[Lys623Glu]LEKVKSCSEK